The following is an entry in ClinVar:

ClinVar aggregate classification (germline): Conflicting classifications of pathogenicity. Review status: criteria provided, conflicting classifications (1 of 4 stars). 2 submissions from 2 submitters: Uncertain significance (1); Likely benign (1). Last evaluated 2025-09-10.

Conditions:
Elliptocytosis 3 (EL3). Identifiers: MedGen C1866810, MONDO:0054780, OMIM 617948.
Hereditary spherocytosis type 2. Also called: SPHEROCYTOSIS, TYPE 2, AUTOSOMAL DOMINANT. Identifiers: Orphanet 822, MedGen C2674219, MONDO:0000913, OMIM 616649.

Allele frequency attached by ClinVar (database versions not stated): ExAC 0.00002; gnomAD exomes 0.00004; gnomAD 0.00005; TOPMed 0.00006; 1000 Genomes Project 30x 0.00016; 1000 Genomes Project 0.00020.
gnomAD v4.1: 33 of 1,614,034 alleles (0.002%); highest among the groups gnomAD compares: African/African-American, 0.016%; no homozygotes.

Submissions (2):

Labcorp Genetics (formerly Invitae), Labcorp
Classification: Likely benign. Last evaluated: 2025-09-10. Review status: criteria provided, single submitter. Criteria: Invitae Variant Classification Sherloc (09022015). Collection method: clinical testing. Allele origin: germline.

Laboratorio de Genetica e Diagnostico Molecular, Hospital Israelita Albert Einstein
Classification: Uncertain significance for Hereditary spherocytosis type 2; Elliptocytosis 3. Last evaluated: 2021-10-04. Review status: criteria provided, single submitter. Criteria: ACMG Guidelines, 2015. Collection method: clinical testing. Allele origin: germline. Affected: yes.
Comment: ACMG classification criteria: BP4 supporting

NM_001355436.2(SPTB):c.3764+8C>T

Gene: SPTB (spectrin beta, erythrocytic; minus strand). Cytogenetic location: 14q23.3.
Variant type: single nucleotide variant.
Coding change: c.3764+8C>T on transcript NM_001355436.2 (MANE Select); 8 bases into the intron after coding-DNA position 3764, C replaced by T.
Molecular consequence: intron variant.
Genome position (GRCh38, 1-based): chr14:64,785,741, G>A on the plus strand (C>T on the coding strand, the complement: SPTB is on the minus strand). VCF-style: chr14-64785741-G-A. GRCh37 (hg19) VCF-style: chr14-65252459-G-A.
Other names: c.3764+8C>T (NM_001024858.4, NM_001355437.2).
Identifiers: ClinVar variation 1683563 (VCV001683563.3), dbSNP rs200257205, ClinGen allele CA7230542.
Genomic context (GRCh38, chr14:64,785,741, plus strand): 5'-CCAAGCTTGGGGTCCTCACTACCCCCGTGTGGCTCTGGGGGCCTCGTGGCCCTGGGGCCC[G>A]GGAGTACCTGTCCTCAATCAGCTGCACCTTCTCCTTGATCTTGTCTGAGTATAGGTTTCC-3'